The following is an entry in ClinVar:

NM_145649.5(GCNT2):c.820G>A (p.Ala274Thr)

Gene: GCNT2 (glucosaminyl (N-acetyl) transferase 2 (I blood group); plus strand). Cytogenetic location: 6p24.3.
Variant type: single nucleotide variant.
Coding change: c.820G>A on transcript NM_145649.5 (MANE Select); coding-DNA position 820, G replaced by A.
Protein change: p.Ala274Thr; replaces alanine 274 with threonine.
Molecular consequence: missense variant.
Genome position (GRCh38, 1-based): chr6:10,529,731, G>A. VCF-style: chr6-10529731-G-A. GRCh37 (hg19) VCF-style: chr6-10529964-G-A.
Other names: c.820G>A, p.Ala274Thr (NM_001374747.1); short protein forms A274T.
Identifiers: ClinVar variation 3052839 (VCV003052839.18), dbSNP rs182849633, ClinGen allele CA3631843.

ClinVar aggregate classification (germline): Likely benign. Review status: criteria provided, single submitter (1 of 4 stars). 2 submissions from 2 submitters: Likely benign (1). 1 of the submissions does not count toward it. Last evaluated 2024-07-01.

Conditions:
GCNT2-related disorder. Also called: GCNT2-related condition.

Allele frequency attached by ClinVar (database versions not stated): 1000 Genomes Project 0.00020; gnomAD 0.00022; gnomAD exomes 0.00022; 1000 Genomes Project 30x 0.00031; TOPMed 0.00048; ExAC 0.00104.
gnomAD v4.1: 348 of 1,614,100 alleles (0.022%); highest among the groups gnomAD compares: Admixed American, 0.56%; no homozygotes.

Submissions (2):

CeGaT Center for Human Genetics Tuebingen
Classification: Likely benign. Last evaluated: 2024-07-01. Review status: criteria provided, single submitter. Criteria: CeGaT Center For Human Genetics Tuebingen Variant Classification Criteria Version 2. Collection method: clinical testing. Allele origin: germline. Affected: yes. Observed: 1 variant allele.
Comment: GCNT2: BP4

PreventionGenetics, part of Exact Sciences
Classification: Benign for GCNT2-related condition. Last evaluated: 2019-10-28. Review status: no assertion criteria provided. Collection method: clinical testing. Allele origin: germline. Not counted in ClinVar's aggregate classification.
Comment: This variant is classified as benign based on ACMG/AMP sequence variant interpretation guidelines (Richards et al. 2015 PMID: 25741868, with internal and published modifications).